The following is an entry in ClinVar:

NM_004385.5(VCAN):c.6791C>T (p.Pro2264Leu)

Genes: VCAN (versican; plus strand), VCAN-AS1 (VCAN antisense RNA 1; minus strand). Cytogenetic location: 5q14.3.
Variant type: single nucleotide variant.
Coding change: c.6791C>T on transcript NM_004385.5 (MANE Select); coding-DNA position 6791, C replaced by T.
Protein change: p.Pro2264Leu; replaces proline 2264 with leucine.
Molecular consequence: missense variant. On other transcripts: intron variant (2).
Genome position (GRCh38, 1-based): chr5:83,539,794, C>T. VCF-style: chr5-83539794-C-T. GRCh37 (hg19) VCF-style: chr5-82835613-C-T.
Other names: c.3830C>T, p.Pro1277Leu (NM_001164097.2); c.4004-5743C>T (NM_001164098.2); c.1043-5743C>T (NM_001126336.3); short protein forms P1277L, P2264L.
Identifiers: ClinVar variation 1916411 (VCV001916411.5), dbSNP rs778758184, ClinGen allele CA3333531.

ClinVar aggregate classification (germline): Uncertain significance (1 of 4 stars; one submission).

Allele frequency attached by ClinVar (database versions not stated): gnomAD 0.00001; gnomAD exomes 0.00001; ExAC 0.00002; TOPMed 0.00002.
gnomAD v4.1: 22 of 1,613,836 alleles (0.0014%); highest among the groups gnomAD compares: African/African-American, 0.0027%; no homozygotes.

Submission:

Labcorp Genetics (formerly Invitae), Labcorp
Classification: Uncertain significance. Last evaluated: 2025-03-20. Review status: criteria provided, single submitter. Criteria: Invitae Variant Classification Sherloc (09022015). Collection method: clinical testing. Allele origin: germline.
Comment: This sequence change replaces proline, which is neutral and non-polar, with leucine, which is neutral and non-polar, at codon 2264 of the VCAN protein (p.Pro2264Leu). This variant is present in population databases (rs778758184, gnomAD 0.01%). This variant has not been reported in the literature in individuals affected with VCAN-related conditions. ClinVar contains an entry for this variant (Variation ID: 1916411). An algorithm developed to predict the effect of missense changes on protein structure and function (PolyPhen-2) suggests that this variant is likely to be tolerated. In summary, the available evidence is currently insufficient to determine the role of this variant in disease. Therefore, it has been classified as a Variant of Uncertain Significance.